The following is an entry in ClinVar:

NM_001283009.2(RTEL1):c.497A>G (p.Lys166Arg)

Genes: RTEL1 (regulator of telomere elongation helicase 1; plus strand), RTEL1-TNFRSF6B (RTEL1-TNFRSF6B readthrough (NMD candidate); plus strand). Cytogenetic location: 20q13.33.
Variant type: single nucleotide variant.
Coding change: c.497A>G on transcript NM_001283009.2 (MANE Select); coding-DNA position 497, A replaced by G.
Protein change: p.Lys166Arg; replaces lysine 166 with arginine.
Molecular consequence: missense variant. On other transcripts: non-coding transcript variant (1), 5 prime UTR variant (1).
Genome position (GRCh38, 1-based): chr20:63,662,848, A>G. VCF-style: chr20-63662848-A-G. GRCh37 (hg19) VCF-style: chr20-62294201-A-G.
Other names: c.-173A>G (NM_001283010.1); c.497A>G, p.Lys166Arg (NM_016434.4); c.569A>G, p.Lys190Arg (NM_032957.5); short protein forms K190R, K166R.
Identifiers: ClinVar variation 3791180 (VCV003791180.1).

ClinVar aggregate classification (germline): Uncertain significance (1 of 4 stars; one submission).

Conditions:
Inborn genetic diseases. Identifiers: MedGen C0950123, MeSH D030342.

gnomAD v4.1: 2 of 1,613,970 alleles (0.00012%); highest among the groups gnomAD compares: Non-Finnish European, 0.00017%; no homozygotes.

Submission:

Ambry Genetics
Classification: Uncertain significance for Inborn genetic diseases. Last evaluated: 2025-02-23. Review status: criteria provided, single submitter. Criteria: Ambry Variant Classification Scheme 2023. Collection method: clinical testing. Allele origin: germline.
Comment: The p.K166R variant (also known as c.497A>G), located in coding exon 5 of the RTEL1 gene, results from an A to G substitution at nucleotide position 497. The lysine at codon 166 is replaced by arginine, an amino acid with highly similar properties. This amino acid position is conserved. In addition, the in silico prediction for this alteration is inconclusive. Based on the available evidence, the clinical significance of this variant remains unclear.